The following is an entry in ClinVar:

ClinVar aggregate classification (germline): Likely benign (1 of 4 stars; one submission).

Conditions:
Osteogenesis imperfecta type 7 (OI7). Also called: OI type 7; OI type VII; OSTEOGENESIS IMPERFECTA, TYPE IIB; Osteogenesis imperfecta type 2B; OI type 2B; Osteogenesis imperfecta, perinatal lethal autosomal recessive. Identifiers: MedGen C1853162, MONDO:0012536, OMIM 610682.

Allele frequency attached by ClinVar (database versions not stated): gnomAD 0.00468 and 0.00503; 1000 Genomes Project 0.00479; TOPMed 0.00521; 1000 Genomes Project 30x 0.00578.

Submission:

Illumina Laboratory Services, Illumina
Classification: Likely benign for Osteogenesis imperfecta type 7. Last evaluated: 2018-01-12. Review status: criteria provided, single submitter. Criteria: ICSL Variant Classification Criteria 13 December 2019. Collection method: clinical testing. Allele origin: germline.
Comment: This variant was observed in the ICSL laboratory as part of a predisposition screen in an ostensibly healthy population. It had not been previously curated by ICSL or reported in the Human Gene Mutation Database (HGMD: prior to June 1st, 2018), and was therefore a candidate for classification through an automated scoring system. Utilizing variant allele frequency, disease prevalence and penetrance estimates, and inheritance mode, an automated score was calculated to assess if this variant is too frequent to cause the disease. Based on the score and internal cut-off values, a variant classified as likely benign is not then subjected to further curation. The score for this variant resulted in a classification of likely benign for this disease.

NM_006371.5(CRTAP):c.*4129T>C

Gene: CRTAP (cartilage associated protein; plus strand). Cytogenetic location: 3p22.3.
Variant type: single nucleotide variant.
Coding change: c.*4129T>C on transcript NM_006371.5 (MANE Select); 4129 bases downstream of the stop codon, T replaced by C.
Molecular consequence: 3 prime UTR variant.
Genome position (GRCh38, 1-based): chr3:33,146,577, T>C. VCF-style: chr3-33146577-T-C. GRCh37 (hg19) VCF-style: chr3-33188069-T-C.
Identifiers: ClinVar variation 344879 (VCV000344879.5), dbSNP rs76450273, ClinGen allele CA10618161.